The following is an entry in ClinVar:

ClinVar aggregate classification (germline): Uncertain significance (1 of 4 stars; one submission).

Conditions:
LZTFL1-related disorder. Also called: LZTFL1-related condition.

Submission:

PreventionGenetics, part of Exact Sciences
Classification: Uncertain significance for LZTFL1-related condition. Last evaluated: 2025-07-17. Review status: criteria provided, single submitter. Criteria: ACMG Guidelines, 2015. Collection method: clinical testing. Allele origin: germline.
Comment: The LZTFL1 c.357A>T variant is predicted to result in the amino acid substitution p.Lys119Asn. To our knowledge, this variant has not been reported in the literature or in a large population database (gnomAD), indicating this variant is rare. At this time, the clinical significance of this variant is uncertain due to the absence of conclusive functional and genetic evidence.

NM_020347.4(LZTFL1):c.357A>T (p.Lys119Asn)

Gene: LZTFL1 (leucine zipper transcription factor like 1; minus strand). Cytogenetic location: 3p21.31.
Variant type: single nucleotide variant.
Coding change: c.357A>T on transcript NM_020347.4 (MANE Select); coding-DNA position 357, A replaced by T.
Protein change: p.Lys119Asn; replaces lysine 119 with asparagine.
Molecular consequence: missense variant. On other transcripts: non-coding transcript variant (2).
Genome position (GRCh38, 1-based): chr3:45,834,265, T>A on the plus strand (A>T on the coding strand, the complement: LZTFL1 is on the minus strand). VCF-style: chr3-45834265-T-A. GRCh37 (hg19) VCF-style: chr3-45875757-T-A.
Other names: c.306A>T, p.Lys102Asn (NM_001276378.2, NM_001386451.1, NM_001405922.1 and 4 more transcripts); c.345A>T, p.Lys115Asn (NM_001276379.2, NM_001405921.1); c.357A>T, p.Lys119Asn (NM_001386452.1, NM_001405924.1); c.381A>T, p.Lys127Asn (NM_001405920.1, NM_001405925.1); short protein forms K115N, K119N, K127N, K102N.
Identifiers: ClinVar variation 4992756 (VCV004992756.1).
Genomic context (GRCh38, chr3:45,834,265, plus strand): 5'-TAAGATATGGATTTAGAATGACCAAAAAGTTACCTTTTTGTTTGAAGATGTAATCTCTGC[T>A]TTTTCAAATTCTGCAACTTGTTCTAATAATTCTCTTGAAGAAGAAAGCAAAGATAAAAAT-3'
Protein context (NP_065080.1, residues 109-129): ELLEQVAEFE[Lys119Asn]AEITSSNKKP